The following is an entry in ClinVar:

NM_014270.5(SLC7A9):c.782C>T (p.Pro261Leu)

Gene: SLC7A9 (solute carrier family 7 member 9; minus strand). Cytogenetic location: 19q13.11.
Variant type: single nucleotide variant.
Coding change: c.782C>T on transcript NM_014270.5 (MANE Select); coding-DNA position 782, C replaced by T.
Protein change: p.Pro261Leu; replaces proline 261 with leucine.
Molecular consequence: missense variant.
Genome position (GRCh38, 1-based): chr19:32,859,932, G>A on the plus strand (C>T on the coding strand, the complement: SLC7A9 is on the minus strand). VCF-style: chr19-32859932-G-A. GRCh37 (hg19) VCF-style: chr19-33350838-G-A.
Other names: c.782C>T (NM_014270.4); c.782C>T, p.Pro261Leu (NM_001126335.2, NM_001243036.2); short protein forms P261L.
Identifiers: ClinVar variation 5789 (VCV000005789.8), dbSNP rs121908486, ClinGen allele CA117733.

ClinVar aggregate classification (germline): Uncertain significance. Review status: criteria provided, multiple submitters, no conflicts (2 of 4 stars). 5 submissions from 5 submitters: Uncertain significance (4). 1 of the submissions does not count toward it. Last evaluated 2025-07-13.

Conditions:
Cystinuria (CSNU). Also called: CYSTINURIA, TYPE I; CYSTINURIA, TYPE II; CYSTINURIA, TYPE III; Cystinuria, non-type I. Identifiers: Orphanet 214, MedGen C0010691, MONDO:0009067, OMIM 220100, HP:0003131.

Allele frequency attached by ClinVar (database versions not stated): ExAC 0.00008; gnomAD exomes 0.00011 and 0.00026; gnomAD 0.00014; TOPMed 0.00014.
gnomAD v4.1: 400 of 1,614,048 alleles (0.025%); highest among the groups gnomAD compares: Non-Finnish European, 0.032%; no homozygotes.

Submissions (5):

Labcorp Genetics (formerly Invitae), Labcorp
Classification: Uncertain significance. Last evaluated: 2025-07-13. Review status: criteria provided, single submitter. Criteria: Invitae Variant Classification Sherloc (09022015). Collection method: clinical testing. Allele origin: germline.
Comment: This sequence change replaces proline, which is neutral and non-polar, with leucine, which is neutral and non-polar, at codon 261 of the SLC7A9 protein (p.Pro261Leu). This variant is present in population databases (rs121908486, gnomAD 0.02%). This missense change has been observed in individual(s) with cystinuria (PMID: 12371955, 12820697). This variant is also known as c.967C>T. ClinVar contains an entry for this variant (Variation ID: 5789). Invitae Evidence Modeling of protein sequence and biophysical properties (such as structural, functional, and spatial information, amino acid conservation, physicochemical variation, residue mobility, and thermodynamic stability) indicates that this missense variant is not expected to disrupt SLC7A9 protein function with a negative predictive value of 80%. In summary, the available evidence is currently insufficient to determine the role of this variant in disease. Therefore, it has been classified as a Variant of Uncertain Significance.

Blueprint Genetics
Classification: Uncertain significance. Last evaluated: 2024-11-25. Review status: criteria provided, single submitter. Criteria: ACMG Guidelines, 2015. Collection method: clinical testing. Allele origin: germline.

Fulgent Genetics
Classification: Uncertain significance for Cystinuria. Last evaluated: 2024-04-19. Review status: criteria provided, single submitter. Criteria: ACMG Guidelines, 2015. Collection method: clinical testing. Allele origin: germline.

Victorian Clinical Genetics Services, Murdoch Childrens Research Institute
Classification: Uncertain significance for Cystinuria. Last evaluated: 2022-06-24. Review status: criteria provided, single submitter. Criteria: ACMG Guidelines, 2015. Collection method: clinical testing. Allele origin: germline. Inheritance: Autosomal recessive inheritance.
Comment: Based on the classification scheme VCGS_Germline_v1.3.4, this variant is classified as VUS-3C. Following criteria are met: 0102 - Loss of function is a known mechanism of disease in this gene and is associated with cystinuria (MIM#220100). (I) 0108 - This gene is associated with both recessive and dominant disease. Some heterozygous variants have been reported to present with a milder phenotype (OMIM, PMID: 11157794). (I) 0200 - Variant is predicted to result in a missense amino acid change from proline to leucine. (I) 0251 - This variant is heterozygous. (I) 0304 - Variant is present in gnomAD (v2) <0.01 for a condition (30 heterozygotes, 0 homozygotes). (SP) 0504 - Same amino acid change has been observed in placental mammals. (SB) 0600 - Variant is located in the annotated amino acid permease domain (DECIPHER). (I) 0705 - No comparable missense variants have previous evidence for pathogenicity. (I) 0809 - Previous evidence of pathogenicity for this variant is inconclusive. This variant has been seen in two individuals in which another possible genetic cause of disease was found. (I) 1007 - No published functional evidence has been identified for this variant. (I) 1208 - Inheritance information for this variant is not currently available in this individual. (I) Legend: (SP) - Supporting pathogenic, (I) - Information, (SB) - Supporting benign

OMIM
Classification: Pathogenic for CYSTINURIA. Last evaluated: 2003-04-01. Review status: no assertion criteria provided. Collection method: literature only. Allele origin: germline. Not counted in ClinVar's aggregate classification.

Literature cited by the submitters: PubMed 12371955 (cited by 3 submitters); PubMed 12820697 (cited by 3 submitters); PubMed 11157794 (cited by Victorian Clinical Genetics Services, Murdoch Childrens Research Institute); PubMed 11748844 (cited by OMIM).